The following is an entry in ClinVar:

ClinVar aggregate classification (germline): Pathogenic (1 of 4 stars; one submission).

Conditions:
Peroxisome biogenesis disorder 3A (Zellweger). Also called: PEROXISOMAL BIOGENESIS DISORDER 3A (ZELLWEGER); Peroxisome biogenesis disorder 3A. Identifiers: Orphanet 912, MedGen C3553929, MONDO:0013927, OMIM 614859.

Submission:

Labcorp Genetics (formerly Invitae), Labcorp
Classification: Pathogenic for Peroxisome biogenesis disorder 3A (Zellweger). Last evaluated: 2023-12-30. Review status: criteria provided, single submitter. Criteria: Invitae Variant Classification Sherloc (09022015). Collection method: clinical testing. Allele origin: germline.
Comment: This sequence change creates a premature translational stop signal (p.Thr204Serfs*13) in the PEX12 gene. While this is not anticipated to result in nonsense mediated decay, it is expected to disrupt the last 156 amino acid(s) of the PEX12 protein. This variant is not present in population databases (gnomAD no frequency). This variant has not been reported in the literature in individuals affected with PEX12-related conditions. This variant disrupts a region of the PEX12 protein in which other variant(s) (p.Gln349del) have been determined to be pathogenic (PMID: 15542397, 21031596, 33123925; Invitae). This suggests that this is a clinically significant region of the protein, and that variants that disrupt it are likely to be disease-causing. For these reasons, this variant has been classified as Pathogenic.

Literature cited by the submitters: PubMed 15542397; PubMed 21031596; PubMed 33123925.

NM_000286.3(PEX12):c.611_612del (p.Thr204fs)

Gene: PEX12 (peroxisomal biogenesis factor 12; minus strand). Cytogenetic location: 17q12.
Variant type: Deletion.
Coding change: c.611_612del on transcript NM_000286.3 (MANE Select); coding-DNA positions 611 to 612, 2 bases deleted (CA; older notation c.611_612delCA).
Protein change: p.Thr204fs; shifts the reading frame from threonine 204.
Molecular consequence: frameshift variant.
Genome position (GRCh38, 1-based): chr17:35,577,106-35,577,107, TG deleted on the plus strand (CA on the coding strand, the reverse complement: PEX12 is on the minus strand); deleting any 2 consecutive bases within chr17:35,577,106-35,577,108 gives the same sequence; the c. name uses the placement nearest the transcript's 3' end. VCF-style (leftmost placement, unchanged base first): chr17-35577105-CTG-C. GRCh37 (hg19) VCF-style: chr17-33904124-CTG-C.
Other names: short protein forms T204fs.
Identifiers: ClinVar variation 2810691 (VCV002810691.3), dbSNP rs773837266, ClinGen allele CA290069245.